The following is an entry in ClinVar:

ClinVar aggregate classification (germline): Pathogenic. Review status: criteria provided, multiple submitters, no conflicts (2 of 4 stars). 2 submissions from 2 submitters: Pathogenic (2). Last evaluated 2022-01-03.

Conditions:
DYRK1A-related intellectual disability syndrome (MRD7). Also called: Intellectual developmental disorder, autosomal dominant 7; DYRK1A Syndrome. Identifiers: Orphanet 464306, MedGen C5568143, MONDO:0013578, OMIM 614104.

Submissions (2):

3billion
Classification: Pathogenic for DYRK1A-related intellectual disability syndrome. Last evaluated: 2022-01-03. Review status: criteria provided, single submitter. Criteria: ACMG Guidelines, 2015. Collection method: clinical testing. Allele origin: germline. Affected: yes. Observed: 1 heterozygote.
Comment: Frameshift: predicted to result in a loss or disruption of normal protein function through nonsense-mediated decay (NMD) or protein truncation. Multiple pathogenic variants are reported downstream of the variant (PVS1_VS). It is not observed in the gnomAD v2.1.1 dataset (PM2_M). The variant has been reported to be associated with DYRK1A related disorder (ClinVar ID: VCV000666311). Therefore, this variant is classified as pathogenic according to the recommendation of ACMG/AMP guideline.

Equipe Genetique des Anomalies du Developpement, Université de Bourgogne
Classification: Pathogenic for DYRK1A-related intellectual disability syndrome. Last evaluated: 2016-01-01. Review status: criteria provided, single submitter. Criteria: ACMG Guidelines, 2015. Collection method: clinical testing. Allele origin: de novo. Affected: yes.

NM_001347721.2(DYRK1A):c.675_676del (p.Cys226fs)

Gene: DYRK1A (dual specificity tyrosine phosphorylation regulated kinase 1A; plus strand). Cytogenetic location: 21q22.13.
Variant type: Microsatellite.
Coding change: c.675_676del on transcript NM_001347721.2 (MANE Select); coding-DNA positions 675 to 676, 2 bases deleted (CT; older notation c.675_676delCT).
Protein change: p.Cys226fs; shifts the reading frame from cysteine 226.
Molecular consequence: frameshift variant.
Genome position (GRCh38, 1-based): chr21:37,490,212-37,490,213, CT deleted; deleting any 2 consecutive bases within chr21:37,490,209-37,490,213 gives the same sequence; the c. name uses the placement nearest the transcript's 3' end. VCF-style (leftmost placement, unchanged base first): chr21-37490208-ATC-A. GRCh37 (hg19) VCF-style: chr21-38862510-ATC-A.
Other names: c.675_676del, p.Cys226fs (NM_001347722.2, NM_130436.2); c.588_589del, p.Cys197fs (NM_001347723.2); c.702_703del, p.Cys235fs (NM_001396.5, NM_101395.2, NM_130438.2); short protein forms C226fs, C197fs, C235fs.
Identifiers: ClinVar variation 666311 (VCV000666311.2), dbSNP rs1601267617, ClinGen allele CA915952628.
Genomic context (GRCh38, chr21:37,490,208, plus strand): 5'-TTAAAATGAAACTGTTTTCTCTTTCAGTGCATTTGAAACGCCACTTTATGTTTCGAAACC[ATC>A]TCTGTTTAGTTTTTGAAATGCTGTCCTACAACCTCTATGACTTGCTGAGAAACACCAATT-3'